The following is an entry in ClinVar:

ClinVar aggregate classification (germline): Benign/Likely benign. Review status: criteria provided, multiple submitters, no conflicts (2 of 4 stars). 5 submissions from 5 submitters: Benign (3); Likely benign (2). Last evaluated 2026-01-19.

Conditions:
Charcot-Marie-Tooth disease X-linked dominant 6. Also called: CHARCOT-MARIE-TOOTH NEUROPATHY, X-LINKED DOMINANT, 6. Identifiers: Orphanet 352675, MedGen C3806702, MONDO:0010479, OMIM 300905.

Allele frequency attached by ClinVar (database versions not stated): ExAC 0.00592; 1000 Genomes Project 30x 0.00999; 1000 Genomes Project 0.01060; gnomAD 0.01342 and 0.01437; gnomAD exomes 0.00330; TOPMed 0.01629.
gnomAD v4.1: 3,121 of 1,122,899 alleles (0.28%); highest among the groups gnomAD compares: African/African-American, 4.7%; 53 homozygotes.

Submissions (5):

Labcorp Genetics (formerly Invitae), Labcorp
Classification: Likely benign for Charcot-Marie-Tooth disease X-linked dominant 6. Last evaluated: 2026-01-19. Review status: criteria provided, single submitter. Criteria: Invitae Variant Classification Sherloc (09022015). Collection method: clinical testing. Allele origin: germline.

ARUP Laboratories, Molecular Genetics and Genomics, ARUP Laboratories
Classification: Benign for Charcot-Marie-Tooth disease X-linked dominant 6. Last evaluated: 2025-05-22. Review status: criteria provided, single submitter. Criteria: ARUP Molecular Germline Variant Investigation Process 2024. Collection method: clinical testing. Allele origin: germline.

GeneDx
Classification: Benign. Last evaluated: 2017-12-01. Review status: criteria provided, single submitter. Criteria: GeneDx Variant Classification (06012015). Collection method: clinical testing. Allele origin: germline. Affected: yes.
Comment: This variant is considered likely benign or benign based on one or more of the following criteria: it is a conservative change, it occurs at a poorly conserved position in the protein, it is predicted to be benign by multiple in silico algorithms, and/or has population frequency not consistent with disease.

Mayo Clinic Laboratories, Mayo Clinic
Classification: Benign. Last evaluated: 2016-10-20. Review status: criteria provided, single submitter. Criteria: ACMG Guidelines, 2015. Collection method: clinical testing. Allele origin: germline. Observed: 11 variant alleles.

Breakthrough Genomics
Classification: Likely benign. Review status: criteria provided, single submitter. Criteria: ACMG Guidelines, 2015. Collection method: not provided. Allele origin: germline. Inheritance: X-linked inheritance. Affected: yes.

NM_001142386.3(PDK3):c.1228A>C (p.Lys410Gln)

Gene: PDK3 (pyruvate dehydrogenase kinase 3; plus strand). Cytogenetic location: Xp22.11.
Variant type: single nucleotide variant.
Coding change: c.1228A>C on transcript NM_001142386.3; coding-DNA position 1228, A replaced by C.
Protein change: p.Lys410Gln; replaces lysine 410 with glutamine.
Molecular consequence: missense variant.
Genome position (GRCh38, 1-based): chrX:24,539,144, A>C. VCF-style: chrX-24539144-A-C. GRCh37 (hg19) VCF-style: chrX-24557261-A-C.
Other names: p.Lys410Gln; short protein forms K410Q.
Identifiers: ClinVar variation 474050 (VCV000474050.17), dbSNP rs141326782, ClinGen allele CA10372414.